The following is an entry in ClinVar:

ClinVar aggregate classification (germline): Uncertain significance (1 of 4 stars; one submission).

Conditions:
Retinitis pigmentosa 59 (RP59). Identifiers: Orphanet 791, MedGen C3151227, MONDO:0013468, OMIM 613861.

Submission:

Labcorp Genetics (formerly Invitae), Labcorp
Classification: Uncertain significance for Retinitis pigmentosa 59. Last evaluated: 2023-04-25. Review status: criteria provided, single submitter. Criteria: Invitae Variant Classification Sherloc (09022015). Collection method: clinical testing. Allele origin: germline.
Comment: In summary, the available evidence is currently insufficient to determine the role of this variant in disease. Therefore, it has been classified as a Variant of Uncertain Significance. This variant disrupts the p.Gly35 amino acid residue in DHDDS. Other variant(s) that disrupt this residue have been determined to be pathogenic (Invitae). This suggests that this residue is clinically significant, and that variants that disrupt this residue are likely to be disease-causing. Advanced modeling of protein sequence and biophysical properties (such as structural, functional, and spatial information, amino acid conservation, physicochemical variation, residue mobility, and thermodynamic stability) performed at Invitae indicates that this missense variant is expected to disrupt DHDDS protein function. This variant has not been reported in the literature in individuals affected with DHDDS-related conditions. This variant is not present in population databases (gnomAD no frequency). This sequence change replaces glycine, which is neutral and non-polar, with arginine, which is basic and polar, at codon 35 of the DHDDS protein (p.Gly35Arg).

NM_205861.3(DHDDS):c.103G>C (p.Gly35Arg)

Gene: DHDDS (dehydrodolichyl diphosphate synthase subunit; plus strand). Cytogenetic location: 1p36.11.
Variant type: single nucleotide variant.
Coding change: c.103G>C on transcript NM_205861.3 (MANE Select); coding-DNA position 103, G replaced by C.
Protein change: p.Gly35Arg; replaces glycine 35 with arginine.
Molecular consequence: missense variant. On other transcripts: 5 prime UTR variant (1).
Genome position (GRCh38, 1-based): chr1:26,438,207, G>C. VCF-style: chr1-26438207-G-C. GRCh37 (hg19) VCF-style: chr1-26764698-G-C.
Other names: c.103G>C, p.Gly35Arg (NM_001243564.2, NM_001243565.2, NM_024887.4); c.-200G>C (NM_001319959.2); short protein forms G35R.
Identifiers: ClinVar variation 2859120 (VCV002859120.3), dbSNP rs2524465581, ClinGen allele CA339138638.